The following is an entry in ClinVar:

ClinVar aggregate classification (germline): Conflicting classifications of pathogenicity. Review status: criteria provided, conflicting classifications (1 of 4 stars). 4 submissions from 4 submitters: Pathogenic (1); Likely pathogenic (2); Uncertain significance (1). Last evaluated 2026-01-01.

Conditions:
Pyridoxal phosphate-responsive seizures (PNPOD). Also called: EPILEPTIC ENCEPHALOPATHY, NEONATAL, PNPO-RELATED; SEIZURES, PYRIDOXINE-RESISTANT, PLP-SENSITIVE; Pyridoxamine 5-Prime-Phosphate Oxidase Deficiency; Pyridoxine-5'-phosphate oxidase deficiency; Pyridoxal 5'-Phosphate (PLP)-Dependent Epilepsy. Identifiers: Orphanet 79096, MedGen C1864723, MONDO:0012407, OMIM 610090. Disease mechanism: loss of function.

Allele frequency attached by ClinVar (database versions not stated): gnomAD exomes 0.00001; ExAC 0.00002; gnomAD 0.00003 and 0.00004; TOPMed 0.00003.
gnomAD v4.1: 12 of 1,613,818 alleles (0.00074%); highest among the groups gnomAD compares: African/African-American, 0.0067%; no homozygotes.

Submissions (4):

Labcorp Genetics (formerly Invitae), Labcorp
Classification: Pathogenic for Pyridoxal phosphate-responsive seizures. Last evaluated: 2026-01-01. Review status: criteria provided, single submitter. Criteria: Invitae Variant Classification Sherloc (09022015). Collection method: clinical testing. Allele origin: germline.
Comment: This sequence change replaces arginine, which is basic and polar, with histidine, which is basic and polar, at codon 161 of the PNPO protein (p.Arg161His). This variant is present in population databases (rs770981773, gnomAD 0.01%). This missense change has been observed in individuals with clinical features of PNPO-related conditions (PMID: 33981986, 35495162, 36106796). ClinVar contains an entry for this variant (Variation ID: 1059361). Invitae Evidence Modeling of protein sequence and biophysical properties (such as structural, functional, and spatial information, amino acid conservation, physicochemical variation, residue mobility, and thermodynamic stability) indicates that this missense variant is expected to disrupt PNPO protein function with a positive predictive value of 80%. This variant disrupts the p.Arg161 amino acid residue in PNPO. Other variant(s) that disrupt this residue have been determined to be pathogenic (PMID: 27014579, 28349276). This suggests that this residue is clinically significant, and that variants that disrupt this residue are likely to be disease-causing. For these reasons, this variant has been classified as Pathogenic.

Women's Health and Genetics/Laboratory Corporation of America, LabCorp
Classification: Likely pathogenic for Pyridoxal phosphate-responsive seizures. Last evaluated: 2024-03-19. Review status: criteria provided, single submitter. Criteria: LabCorp Variant Classification Summary - May 2015. Collection method: clinical testing. Allele origin: germline.
Comment: Variant summary: PNPO c.482G>A (p.Arg161His) results in a non-conservative amino acid change located in the pyridoxamine 5'-phosphate oxidase, putative domain (IPR011576) of the encoded protein sequence. Four of five in-silico tools predict a damaging effect of the variant on protein function. The variant allele was found at a frequency of 1.2e-05 in 251216 control chromosomes (gnomAD). c.482G>A has been reported in the literature in individuals affected with Pyridoxal 5'-Phosphate-Dependent Epilepsy (Farmania_2021, Jiao_2022, Jiao_2023). These data indicate that the variant may be associated with disease. To our knowledge, no experimental evidence demonstrating an impact on protein function has been reported. However, variants affecting the same amino acid (i.e. p.Arg161Cys, p.Arg161Gly) have been classified as pathogenic in ClinVar and/or are reported in affected individuals in the HGMD database. The following publications have been ascertained in the context of this evaluation (PMID: 33981986, 35495162, 36106796). ClinVar contains an entry for this variant (Variation ID: 1059361). Based on the evidence outlined above, the variant was classified as likely pathogenic.

Fulgent Genetics
Classification: Likely pathogenic for Pyridoxal phosphate-responsive seizures. Last evaluated: 2024-03-18. Review status: criteria provided, single submitter. Criteria: ACMG Guidelines, 2015. Collection method: clinical testing. Allele origin: germline.

Breakthrough Genomics
Classification: Uncertain significance. Review status: criteria provided, single submitter. Criteria: ACMG Guidelines, 2015. Collection method: not provided. Allele origin: germline. Inheritance: Autosomal recessive inheritance. Affected: yes.

Literature cited by the submitters: PubMed 33981986 (cited by Labcorp Genetics (formerly Invitae), Labcorp and Women's Health and Genetics/Laboratory Corporation of America, LabCorp); PubMed 35495162 (cited by Labcorp Genetics (formerly Invitae), Labcorp and Women's Health and Genetics/Laboratory Corporation of America, LabCorp); PubMed 36106796 (cited by Labcorp Genetics (formerly Invitae), Labcorp and Women's Health and Genetics/Laboratory Corporation of America, LabCorp); PubMed 27014579 (cited by Labcorp Genetics (formerly Invitae), Labcorp); PubMed 28349276 (cited by Labcorp Genetics (formerly Invitae), Labcorp).

NM_018129.4(PNPO):c.482G>A (p.Arg161His)

Gene: PNPO (pyridoxamine 5'-phosphate oxidase; plus strand). Cytogenetic location: 17q21.32.
Variant type: single nucleotide variant.
Coding change: c.482G>A on transcript NM_018129.4 (MANE Select); coding-DNA position 482, G replaced by A.
Protein change: p.Arg161His; replaces arginine 161 with histidine.
Molecular consequence: missense variant.
Genome position (GRCh38, 1-based): chr17:47,945,925, G>A. VCF-style: chr17-47945925-G-A. GRCh37 (hg19) VCF-style: chr17-46023291-G-A.
Other names: short protein forms R161H.
Identifiers: ClinVar variation 1059361 (VCV001059361.12), dbSNP rs770981773, ClinGen allele CA8629205.
Genomic context (GRCh38, chr17:47,945,925, plus strand): 5'-GTGTGGAAGGCCCTGTGAAGAAACTGCCTGAGGAGGAGGCTGAGTGCTACTTCCACTCCC[G>A]CCCCAAGAGCAGCCAGATTGGGGCTGTGGTCAGCCACCAGAGTTCTGTGATCCCTGATCG-3'
Protein context (NP_060599.1, residues 151-171): EEEAECYFHS[Arg161His]PKSSQIGAVV